The following is an entry in ClinVar:

ClinVar aggregate classification (germline): Uncertain significance (1 of 4 stars; one submission).

Allele frequency attached by ClinVar (database versions not stated): gnomAD 0.00001.
gnomAD v4.1: 1 of 1,613,442 alleles (0.000062%); highest among the groups gnomAD compares: Non-Finnish European, 0.000085%; no homozygotes.

Submission:

Labcorp Genetics (formerly Invitae), Labcorp
Classification: Uncertain significance. Last evaluated: 2024-01-25. Review status: criteria provided, single submitter. Criteria: Invitae Variant Classification Sherloc (09022015). Collection method: clinical testing. Allele origin: germline.
Comment: This sequence change replaces proline, which is neutral and non-polar, with leucine, which is neutral and non-polar, at codon 2912 of the HMCN1 protein (p.Pro2912Leu). This variant is not present in population databases (gnomAD no frequency). This variant has not been reported in the literature in individuals affected with HMCN1-related conditions. Algorithms developed to predict the effect of missense changes on protein structure and function output the following: SIFT: "Not Available"; PolyPhen-2: "Benign"; Align-GVGD: "Not Available". The leucine amino acid residue is found in multiple mammalian species, which suggests that this missense change does not adversely affect protein function. In summary, the available evidence is currently insufficient to determine the role of this variant in disease. Therefore, it has been classified as a Variant of Uncertain Significance.

NM_031935.3(HMCN1):c.8735C>T (p.Pro2912Leu)

Gene: HMCN1 (hemicentin 1; plus strand). Cytogenetic location: 1q31.1.
Variant type: single nucleotide variant.
Coding change: c.8735C>T on transcript NM_031935.3 (MANE Select); coding-DNA position 8735, C replaced by T.
Protein change: p.Pro2912Leu; replaces proline 2912 with leucine.
Molecular consequence: missense variant.
Genome position (GRCh38, 1-based): chr1:186,081,342, C>T. VCF-style: chr1-186081342-C-T. GRCh37 (hg19) VCF-style: chr1-186050474-C-T.
Other names: short protein forms P2912L.
Identifiers: ClinVar variation 2750180 (VCV002750180.3), dbSNP rs1659158398, ClinGen allele CA343915754.